The following is an entry in ClinVar:

ClinVar aggregate classification (germline): Uncertain significance (1 of 4 stars; one submission).

Conditions:
Inborn genetic diseases. Identifiers: MedGen C0950123, MeSH D030342.

Allele frequency attached by ClinVar (database versions not stated): ExAC 0.00001; gnomAD 0.00001.
gnomAD v4.1: 3 of 1,613,916 alleles (0.00019%); highest among the groups gnomAD compares: Admixed American, 0.0033%; no homozygotes.

Submission:

Ambry Genetics
Classification: Uncertain significance for Inborn genetic diseases. Last evaluated: 2024-11-11. Review status: criteria provided, single submitter. Criteria: Ambry Variant Classification Scheme 2023. Collection method: clinical testing. Allele origin: germline.
Comment: The p.T480A variant (also known as c.1438A>G), located in coding exon 15 of the ERCC2 gene, results from an A to G substitution at nucleotide position 1438. The threonine at codon 480 is replaced by alanine, an amino acid with similar properties. This amino acid position is conserved. In addition, the in silico prediction for this alteration is inconclusive. Since supporting evidence is limited at this time, the clinical significance of this alteration remains unclear.

NM_000400.4(ERCC2):c.1438A>G (p.Thr480Ala)

Gene: ERCC2 (ERCC excision repair 2, TFIIH core complex helicase subunit; minus strand). Cytogenetic location: 19q13.32.
Variant type: single nucleotide variant.
Coding change: c.1438A>G on transcript NM_000400.4 (MANE Select); coding-DNA position 1438, A replaced by G.
Protein change: p.Thr480Ala; replaces threonine 480 with alanine.
Molecular consequence: missense variant.
Genome position (GRCh38, 1-based): chr19:45,357,311, T>C on the plus strand (A>G on the coding strand, the complement: ERCC2 is on the minus strand). VCF-style: chr19-45357311-T-C. GRCh37 (hg19) VCF-style: chr19-45860569-T-C.
Other names: short protein forms T480A.
Identifiers: ClinVar variation 1772643 (VCV001772643.3), dbSNP rs757100147, ClinGen allele CA9513293.
Genomic context (GRCh38, chr19:45,357,311, plus strand): 5'-CCTAGCCTCTCCCACTCACCATAGGGCAGAGGCAGACCCGTGCCAGCGTCATGGTGAAGG[T>C]TGCCATGGTGACGGGGTGGAAGTCCAGGATCTTGGGGTAGATGTCCAGCGGGGACAGTGT-3'
Protein context (NP_000391.1, residues 470-490): ILDFHPVTMA[Thr480Ala]FTMTLARVCL